The following is an entry in ClinVar:

ClinVar aggregate classification (germline): Uncertain significance. Review status: criteria provided, multiple submitters, no conflicts (2 of 4 stars). 2 submissions from 2 submitters: Uncertain significance (2). Last evaluated 2025-06-25.

Conditions:
Inborn genetic diseases. Identifiers: MedGen C0950123, MeSH D030342.

Allele frequency attached by ClinVar (database versions not stated): TOPMed 0.00001; gnomAD 0.00003; gnomAD exomes 0.00005 and 0.00006; ExAC 0.00007.
gnomAD v4.1: 84 of 1,614,044 alleles (0.0052%); highest among the groups gnomAD compares: South Asian, 0.082%; 2 homozygotes.

Submissions (2):

Labcorp Genetics (formerly Invitae), Labcorp
Classification: Uncertain significance. Last evaluated: 2025-06-25. Review status: criteria provided, single submitter. Criteria: Invitae Variant Classification Sherloc (09022015). Collection method: clinical testing. Allele origin: germline.
Comment: This sequence change replaces lysine, which is basic and polar, with glutamic acid, which is acidic and polar, at codon 1832 of the MYH3 protein (p.Lys1832Glu). This variant is present in population databases (rs764734875, gnomAD 0.05%). This variant has not been reported in the literature in individuals affected with MYH3-related conditions. ClinVar contains an entry for this variant (Variation ID: 1413895). Invitae Evidence Modeling of protein sequence and biophysical properties (such as structural, functional, and spatial information, amino acid conservation, physicochemical variation, residue mobility, and thermodynamic stability) indicates that this missense variant is not expected to disrupt MYH3 protein function with a negative predictive value of 95%. In summary, the available evidence is currently insufficient to determine the role of this variant in disease. Therefore, it has been classified as a Variant of Uncertain Significance.

Ambry Genetics
Classification: Uncertain significance for Inborn genetic diseases. Last evaluated: 2021-10-27. Review status: criteria provided, single submitter. Criteria: Ambry Variant Classification Scheme 2023. Collection method: clinical testing. Allele origin: germline.

NM_002470.4(MYH3):c.5494A>G (p.Lys1832Glu)

Gene: MYH3 (myosin heavy chain 3; minus strand). Cytogenetic location: 17p13.1.
Variant type: single nucleotide variant.
Coding change: c.5494A>G on transcript NM_002470.4 (MANE Select); coding-DNA position 5494, A replaced by G.
Protein change: p.Lys1832Glu; replaces lysine 1832 with glutamic acid.
Molecular consequence: missense variant.
Genome position (GRCh38, 1-based): chr17:10,630,160, T>C on the plus strand (A>G on the coding strand, the complement: MYH3 is on the minus strand). VCF-style: chr17-10630160-T-C. GRCh37 (hg19) VCF-style: chr17-10533477-T-C.
Other names: c.5494A>G (NM_002470.3); short protein forms K1832E.
Identifiers: ClinVar variation 1413895 (VCV001413895.7), dbSNP rs764734875, ClinGen allele CA8391908.
Genomic context (GRCh38, chr17:10,630,160, plus strand): 5'-TCAGCTCCTTGACCCTCCGCTCATACTTCCTCAGGCCCTTAACAGACTCTGTGTTCTTCT[T>C]CTGCTCTCCCTCAAGTTCAAACTCCAGCTCTCGGATCTGGGGGAGAGGGTGGGGAAATTA-3'
Protein context (NP_002461.2, residues 1822-1842): ELEFELEGEQ[Lys1832Glu]KNTESVKGLR